The following is an entry in ClinVar:

NM_170784.3(MKKS):c.432dup (p.Ser145Ter)

Gene: MKKS (MKKS centrosomal shuttling protein; minus strand). Cytogenetic location: 20p12.2.
Variant type: Duplication.
Coding change: c.432dup on transcript NM_170784.3 (MANE Select); coding-DNA position 432, one base duplicated (T; older notation c.432dupT).
Protein change: p.Ser145Ter; replaces serine 145 with a stop codon.
Molecular consequence: nonsense.
Genome position (GRCh38, 1-based): chr20:10,413,083, A duplicated on the plus strand (T on the coding strand, the reverse complement: MKKS is on the minus strand); the first of 3 consecutive A bases (chr20:10,413,083-10,413,085); duplicating any one gives the same sequence. VCF-style (leftmost placement, unchanged base first): chr20-10413082-T-TA. GRCh37 (hg19) VCF-style: chr20-10393730-T-TA.
Other names: c.432dup, p.Ser145Ter (NM_018848.3); short protein forms S145*.
Identifiers: ClinVar variation 2056365 (VCV002056365.7), dbSNP rs751923973, ClinGen allele CA9763683.

ClinVar aggregate classification (germline): Pathogenic/Likely pathogenic. Review status: criteria provided, multiple submitters, no conflicts (2 of 4 stars). 3 submissions from 3 submitters: Pathogenic (1); Likely pathogenic (2). Last evaluated 2024-10-10.

Conditions:
Bardet-Biedl syndrome 6 (BBS6). Identifiers: Orphanet 110, MedGen C1858054, MONDO:0011523, OMIM 605231.
Bardet-Biedl syndrome (BBS). Identifiers: Orphanet 110, MedGen C0752166, MONDO:0015229.
McKusick-Kaufman syndrome (MKKS). Also called: HYDROMETROCOLPOS SYNDROME; HYDROMETROCOLPOS, POSTAXIAL POLYDACTYLY, AND CONGENITAL HEART MALFORMATION. Identifiers: Orphanet 2473, MedGen C0948368, MONDO:0009367, OMIM 236700.
MKKS-related disorder. Also called: MKKS-related condition; MKKS-related disorders.

Submissions (3):

Labcorp Genetics (formerly Invitae), Labcorp
Classification: Pathogenic for McKusick-Kaufman syndrome; Bardet-Biedl syndrome. Last evaluated: 2024-10-10. Review status: criteria provided, single submitter. Criteria: Invitae Variant Classification Sherloc (09022015). Collection method: clinical testing. Allele origin: germline.
Comment: This sequence change creates a premature translational stop signal (p.Ser145*) in the MKKS gene. It is expected to result in an absent or disrupted protein product. Loss-of-function variants in MKKS are known to be pathogenic (PMID: 11179009, 28761321, 30614526). This variant is present in population databases (rs751923973, gnomAD 0.009%). This variant has not been reported in the literature in individuals affected with MKKS-related conditions. ClinVar contains an entry for this variant (Variation ID: 2056365). For these reasons, this variant has been classified as Pathogenic.

Baylor Genetics
Classification: Likely pathogenic for Bardet-Biedl syndrome 6. Last evaluated: 2024-02-20. Review status: criteria provided, single submitter. Criteria: ACMG Guidelines, 2015. Collection method: clinical testing. Allele origin: unknown.

Blueprint Genetics
Classification: Likely pathogenic for MKKS-related disorders. Last evaluated: 2019-12-06. Review status: criteria provided, single submitter. Criteria: ACMG Guidelines, 2015. Collection method: clinical testing. Allele origin: germline. Affected: yes. Observed: 1 variant allele.

Literature cited by the submitters: PubMed 11179009 (cited by Labcorp Genetics (formerly Invitae), Labcorp); PubMed 28761321 (cited by Labcorp Genetics (formerly Invitae), Labcorp); PubMed 30614526 (cited by Labcorp Genetics (formerly Invitae), Labcorp).